The following is an entry in ClinVar:

ClinVar aggregate classification (germline): Uncertain significance. Review status: criteria provided, single submitter (1 of 4 stars). 2 submissions from 2 submitters: Uncertain significance (1). 1 of the submissions does not count toward it. Last evaluated 2021-12-30.

Conditions:
Hereditary cancer-predisposing syndrome. Also called: Hereditary Cancer Syndrome; Hereditary neoplastic syndrome; Neoplastic Syndromes, Hereditary; Tumor predisposition. Identifiers: Orphanet 140162, MedGen C0027672, MeSH D009386, MONDO:0015356.
Fanconi anemia (FA). Also called: Fanconi's anemia. Identifiers: Orphanet 84, MedGen C0015625, MeSH D005199, MONDO:0019391.

Submissions (2):

Ambry Genetics
Classification: Uncertain significance for Hereditary cancer-predisposing syndrome. Last evaluated: 2021-12-30. Review status: criteria provided, single submitter. Criteria: Ambry Variant Classification Scheme 2023. Collection method: clinical testing. Allele origin: germline.
Comment: The p.H489Y variant (also known as c.1465C>T), located in coding exon 13 of the FANCC gene, results from a C to T substitution at nucleotide position 1465. The histidine at codon 489 is replaced by tyrosine, an amino acid with similar properties. This amino acid position is conserved. In addition, this alteration is predicted to be tolerated by in silico analysis. Since supporting evidence is limited at this time, the clinical significance of this alteration remains unclear.

Natera, Inc.
Classification: Uncertain significance for Fanconi anemia. Last evaluated: 2025-03-10. Review status: no assertion criteria provided. Collection method: clinical testing. Allele origin: germline. Not counted in ClinVar's aggregate classification.

NM_000136.3(FANCC):c.1465C>T (p.His489Tyr)

Genes: FANCC (FA complementation group C; minus strand), AOPEP (aminopeptidase O (putative); plus strand). Cytogenetic location: 9q22.32.
Variant type: single nucleotide variant.
Coding change: c.1465C>T on transcript NM_000136.3 (MANE Select); coding-DNA position 1465, C replaced by T.
Protein change: p.His489Tyr; replaces histidine 489 with tyrosine.
Molecular consequence: missense variant.
Genome position (GRCh38, 1-based): chr9:95,107,134, G>A on the plus strand (C>T on the coding strand, the complement: FANCC is on the minus strand). VCF-style: chr9-95107134-G-A. GRCh37 (hg19) VCF-style: chr9-97869416-G-A.
Other names: c.1465C>T, p.His489Tyr (NM_001243743.2); short protein forms H489Y.
Identifiers: ClinVar variation 1773238 (VCV001773238.3), dbSNP rs2071511124, ClinGen allele CA374105770.